The following is an entry in ClinVar:

NM_002778.4(PSAP):c.717C>G (p.Asp239Glu)

Gene: PSAP (prosaposin; minus strand). Cytogenetic location: 10q22.1.
Variant type: single nucleotide variant.
Coding change: c.717C>G on transcript NM_002778.4 (MANE Select); coding-DNA position 717, C replaced by G.
Protein change: p.Asp239Glu; replaces aspartic acid 239 with glutamic acid.
Molecular consequence: missense variant.
Genome position (GRCh38, 1-based): chr10:71,828,017, G>C on the plus strand (C>G on the coding strand, the complement: PSAP is on the minus strand). VCF-style: chr10-71828017-G-C. GRCh37 (hg19) VCF-style: chr10-73587774-G-C.
Other names: p.Asp239Glu; c.717C>G, p.Asp239Glu (NM_001042465.3, NM_001042466.3); short protein forms D239E.
Identifiers: ClinVar variation 3379970 (VCV003379970.1).
Genomic context (GRCh38, chr10:71,828,017, plus strand): 5'-CCACAGCCCAACTCCCAGGCCCAGAACATCCCCAATGCACAAGGACACAAGGCTCACTAT[G>C]TCGGCCATGCCAGGGCCCAGGCGGTCACACTCCTCCTTGACATGTTCCACCAAGGCCTGG-3'
Protein context (NP_002769.1, residues 229-249): ECDRLGPGMA[Asp239Glu]ICKNYISQYS

ClinVar aggregate classification (germline): Uncertain significance (1 of 4 stars; one submission).

Submission:

Mayo Clinic Laboratories, Mayo Clinic
Classification: Uncertain significance. Last evaluated: 2024-01-12. Review status: criteria provided, single submitter. Criteria: ACMG Guidelines, 2015. Collection method: clinical testing. Allele origin: germline. Observed: 1 variant allele.
Comment: PM2_moderate